The following is an entry in ClinVar:

NM_001367624.2(ZNF469):c.1768G>A (p.Glu590Lys)

Gene: ZNF469 (zinc finger protein 469; plus strand). Cytogenetic location: 16q24.2.
Variant type: single nucleotide variant.
Coding change: c.1768G>A on transcript NM_001367624.2 (MANE Select); coding-DNA position 1768, G replaced by A.
Protein change: p.Glu590Lys; replaces glutamic acid 590 with lysine.
Molecular consequence: missense variant.
Genome position (GRCh38, 1-based): chr16:88,429,238, G>A. VCF-style: chr16-88429238-G-A. GRCh37 (hg19) VCF-style: chr16-88495646-G-A.
Other names: NM_001127464.1:c.1768G>A; NM_001127464.2:c.1768G>A; short protein forms E590K.
Identifiers: ClinVar variation 1302326 (VCV001302326.9), dbSNP rs571115191, ClinGen allele CA8224703.

ClinVar aggregate classification (germline): Conflicting classifications of pathogenicity. Review status: criteria provided, conflicting classifications (1 of 4 stars). 5 submissions from 5 submitters: Uncertain significance (2); Benign (1); Likely benign (2). Last evaluated 2026-01-28.

Conditions:
ZNF469-related disorder. Also called: ZNF469-related condition.
Cardiovascular phenotype. Identifiers: MedGen CN230736.
Brittle cornea syndrome 1 (BCS1). Also called: DYSGENESIS MESODERMALIS CORNEAE ET SCLERAE; CORNEAL FRAGILITY, KERATOGLOBUS, BLUE SCLERAE, JOINT HYPEREXTENSIBILITY; EDS6B; FRAGILITAS OCULI WITH JOINT HYPEREXTENSIBILITY; Corneal fragility keratoglobus, blue sclerae AND joint hypermobility. Identifiers: Orphanet 90354, MedGen C0268344, MONDO:0024543, OMIM 229200.

Allele frequency attached by ClinVar (database versions not stated): gnomAD 0.00001 and 0.00009; TOPMed 0.00002; 1000 Genomes Project 30x 0.00016; 1000 Genomes Project 0.00020; gnomAD exomes 0.00027 and 0.00066; ExAC 0.00277.
gnomAD v4.1: 391 of 1,549,694 alleles (0.025%); highest among the groups gnomAD compares: South Asian, 0.43%; 3 homozygotes.

Submissions (5):

PreventionGenetics, part of Exact Sciences
Classification: Likely benign for ZNF469-related condition. Last evaluated: 2026-01-28. Review status: criteria provided, single submitter. Criteria: ACMG Guidelines, 2015. Collection method: clinical testing. Allele origin: germline.
Comment: This variant is classified as likely benign based on ACMG/AMP sequence variant interpretation guidelines (Richards et al. 2015 PMID: 25741868, with internal and published modifications).

Labcorp Genetics (formerly Invitae), Labcorp
Classification: Likely benign. Last evaluated: 2025-12-30. Review status: criteria provided, single submitter. Criteria: Invitae Variant Classification Sherloc (09022015). Collection method: clinical testing. Allele origin: germline.

Ambry Genetics
Classification: Benign for Cardiovascular phenotype. Last evaluated: 2021-11-03. Review status: criteria provided, single submitter. Criteria: Ambry Variant Classification Scheme 2023. Collection method: clinical testing. Allele origin: germline.

Department of Pathology and Laboratory Medicine, Sinai Health System
Classification: Uncertain significance for Brittle cornea syndrome 1. Last evaluated: 2019-10-04. Review status: criteria provided, single submitter. Criteria: ACMG Guidelines, 2015. Collection method: research. Allele origin: germline.

GeneDx
Classification: Uncertain significance. Last evaluated: 2019-05-14. Review status: criteria provided, single submitter. Criteria: GeneDx Variant Classification Process June 2021. Collection method: clinical testing. Allele origin: germline. Affected: yes.